The following is an entry in ClinVar:

ClinVar aggregate classification (germline): Likely pathogenic (1 of 4 stars; one submission).

Conditions:
Ceroid lipofuscinosis, neuronal, 6B (Kufs type). Also called: Neuronal ceroid lipofuscinosis 4A. Identifiers: Orphanet 700477, MedGen C5561927, MONDO:0008768, OMIM 204300.
Ceroid lipofuscinosis, neuronal, 6A. Also called: CLN6-Related Neuronal Ceroid-Lipofuscinosis; Neuronal ceroid lipofuscinosis, late infantile, variant; Neuronal ceroid lipofuscinosis, Gypsy/Indian early juvenile variant; Neuronal ceroid lipofuscinosis 6. Identifiers: Orphanet 168491, Orphanet 228363, MedGen C5551375, MONDO:0011144, OMIM 601780.

Submission:

Diagnostics Services (NGS), CSIR - Centre For Cellular And Molecular Biology
Classification: Likely pathogenic for Ceroid lipofuscinosis, neuronal, 6A; Ceroid lipofuscinosis, neuronal, 6B (Kufs type). Last evaluated: 2025-10-30. Review status: criteria provided, single submitter. Criteria: ACMG Guidelines, 2015. Collection method: clinical testing. Allele origin: germline. Affected: yes. Observed: 1 variant allele, 1 homozygote.
Comment: The c.85del variant is not present in publicly available population databases like 1000 Genomes, EVS, gnomAD, Indian Exome Database and our internal database. This variant has neither been published in literature in individuals affected with CLN6-related conditions nor reported to the clinical databases like Human Genome Mutation Database (HGMD), ClinVar or OMIM, in any affected individuals. In-silico pathogenicity prediction programs like MutationTaster2, CADD, Varsome, Franklin etc. predicted this variant to be likely deleterious. This variant causes frameshift at the 29th amino acid position of the wild-type transcript that creates a premature translational stop signal at the altered transcript that may either result in translation of a truncated protein or cause nonsense mediated decay of the mRNA.

NM_017882.3(CLN6):c.85del (p.His29fs)

Gene: CLN6 (CLN6 transmembrane ER protein; minus strand). Cytogenetic location: 15q23.
Variant type: Deletion.
Coding change: c.85del on transcript NM_017882.3 (MANE Select); coding-DNA position 85, one base deleted (C; older notation c.85delC).
Protein change: p.His29fs; shifts the reading frame from histidine 29.
Molecular consequence: frameshift variant.
Genome position (GRCh38, 1-based): chr15:68,218,649, G deleted on the plus strand (C on the coding strand, the reverse complement: CLN6 is on the minus strand). VCF-style (leftmost placement, unchanged base first): chr15-68218648-TG-T. GRCh37 (hg19) VCF-style: chr15-68510986-TG-T.
Other names: c.181del, p.His61fs (NM_001411068.1); short protein forms H29fs, H61fs.
Identifiers: ClinVar variation 4533291 (VCV004533291.1).